The following is an entry in ClinVar:

ClinVar aggregate classification (germline): Uncertain significance (1 of 4 stars; one submission).

gnomAD v4.1: 1 of 1,613,268 alleles (0.000062%); no homozygotes.

Submission:

CeGaT Center for Human Genetics Tuebingen
Classification: Uncertain significance. Last evaluated: 2025-04-01. Review status: criteria provided, single submitter. Criteria: CeGaT Center For Human Genetics Tuebingen Variant Classification Criteria Version 2. Collection method: clinical testing. Allele origin: germline. Affected: yes. Observed: 1 variant allele.
Comment: GNAS: PM2, BP4

NM_080425.4(GNAS):c.256A>G (p.Arg86Gly)

Gene: GNAS (GNAS complex locus; plus strand). Cytogenetic location: 20q13.32.
Variant type: single nucleotide variant.
Coding change: c.256A>G on transcript NM_080425.4 (MANE Plus Clinical); coding-DNA position 256, A replaced by G.
Protein change: p.Arg86Gly; replaces arginine 86 with glycine.
Molecular consequence: missense variant. On other transcripts: synonymous variant (2), intron variant (3).
Genome position (GRCh38, 1-based): chr20:58,853,521, A>G. VCF-style: chr20-58853521-A-G. GRCh37 (hg19) VCF-style: chr20-57428576-A-G.
Other names: c.69A>G, p.Ser23= (NM_001077490.3, NM_001309883.1); c.256A>G, p.Arg86Gly (NM_001410913.1); c.*42+12635A>G (NM_016592.5); c.43+12635A>G (NM_001410912.1); c.-39+11646A>G (NM_001309861.2); short protein forms R86G.
Identifiers: ClinVar variation 3898357 (VCV003898357.7).